The following is an entry in ClinVar:

ClinVar aggregate classification (germline): Uncertain significance (1 of 4 stars; one submission).

Conditions:
Skeletal overgrowth-craniofacial dysmorphism-hyperelastic skin-white matter lesions syndrome. Also called: SKELETAL OVERGROWTH WITH FACIAL DYSMORPHISM, HYPERELASTIC SKIN, WHITE MATTER LESIONS, AND NEUROLOGIC DETERIORATION; Kosaki overgrowth syndrome. Identifiers: Orphanet 477831, MedGen C4225270, MONDO:0014704, OMIM 616592.
Infantile myofibromatosis (IMF). Also called: Congenital generalized fibromatosis. Identifiers: Orphanet 2591, MedGen C0432284, MONDO:0016824.
Basal ganglia calcification, idiopathic, 4 (PFBC4). Also called: Familial Idiopathic Basal Ganglia Calcification 4; PRIMARY FAMILIAL BRAIN CALCIFICATION 4, AUTOSOMAL DOMINANT. Identifiers: Orphanet 1980, MedGen C3554321, MONDO:0014004, OMIM 615007.
Acroosteolysis-keloid-like lesions-premature aging syndrome. Also called: Premature aging syndrome, Penttinen type; Prematurely aged appearance, delayed bone maturation, acro-osteolysis, and brachydactyly; Progeroid syndrome, Penttinen type. Identifiers: Orphanet 363665, MedGen C1866182, MONDO:0011150, OMIM 601812.

gnomAD v4.1: 1 of 1,609,624 alleles (0.000062%); highest among the groups gnomAD compares: Non-Finnish European, 0.000085%; no homozygotes.

Submission:

Labcorp Genetics (formerly Invitae), Labcorp
Classification: Uncertain significance for Basal ganglia calcification, idiopathic, 4; Skeletal overgrowth-craniofacial dysmorphism-hyperelastic skin-white matter lesions syndrome; Infantile myofibromatosis; Acroosteolysis-keloid-like lesions-premature aging syndrome. Last evaluated: 2024-09-30. Review status: criteria provided, single submitter. Criteria: Invitae Variant Classification Sherloc (09022015). Collection method: clinical testing. Allele origin: germline.
Comment: This sequence change replaces alanine, which is neutral and non-polar, with valine, which is neutral and non-polar, at codon 619 of the PDGFRB protein (p.Ala619Val). This variant is not present in population databases (gnomAD no frequency). This variant has not been reported in the literature in individuals affected with PDGFRB-related conditions. Invitae Evidence Modeling of protein sequence and biophysical properties (such as structural, functional, and spatial information, amino acid conservation, physicochemical variation, residue mobility, and thermodynamic stability) indicates that this missense variant is not expected to disrupt PDGFRB protein function with a negative predictive value of 80%. In summary, the available evidence is currently insufficient to determine the role of this variant in disease. Therefore, it has been classified as a Variant of Uncertain Significance.

NM_002609.4(PDGFRB):c.1856C>T (p.Ala619Val)

Gene: PDGFRB (platelet derived growth factor receptor beta; minus strand). Cytogenetic location: 5q32.
Variant type: single nucleotide variant.
Coding change: c.1856C>T on transcript NM_002609.4 (MANE Select); coding-DNA position 1856, C replaced by T.
Protein change: p.Ala619Val; replaces alanine 619 with valine.
Molecular consequence: missense variant.
Genome position (GRCh38, 1-based): chr5:150,124,783, G>A on the plus strand (C>T on the coding strand, the complement: PDGFRB is on the minus strand). VCF-style: chr5-150124783-G-A. GRCh37 (hg19) VCF-style: chr5-149504346-G-A.
Other names: c.1664C>T, p.Ala555Val (NM_001355016.2); c.1373C>T, p.Ala458Val (NM_001355017.2); short protein forms A458V, A555V, A619V.
Identifiers: ClinVar variation 3749563 (VCV003749563.2).